The following is an entry in ClinVar:

NM_000352.6(ABCC8):c.149-9T>G

Gene: ABCC8 (ATP binding cassette subfamily C member 8; minus strand). Cytogenetic location: 11p15.1.
Variant type: single nucleotide variant.
Coding change: c.149-9T>G on transcript NM_000352.6 (MANE Select); 9 bases into the intron before coding-DNA position 149, T replaced by G.
Molecular consequence: intron variant.
Genome position (GRCh38, 1-based): chr11:17,475,036, A>C on the plus strand (T>G on the coding strand, the complement: ABCC8 is on the minus strand). VCF-style: chr11-17475036-A-C. GRCh37 (hg19) VCF-style: chr11-17496583-A-C.
Other names: c.149-9T>G (NM_001351297.2, NM_001351296.2, NM_001351295.2 and 1 more transcripts).
Identifiers: ClinVar variation 5037997 (VCV005037997.1).

ClinVar aggregate classification (germline): Uncertain significance (1 of 4 stars; one submission).

Conditions:
Diabetes mellitus, transient neonatal, 2 (TNDM2). Identifiers: Orphanet 99886, MedGen C1835887, MONDO:0012480, OMIM 610374. Disease mechanism: loss of function.
Diabetes mellitus, permanent neonatal 3. Also called: ABCC8-Related Permanent Neonatal Diabetes Mellitus. Identifiers: MedGen C5394303, MONDO:0030088, OMIM 618857.
Type 2 diabetes mellitus. Also called: Type II diabetes mellitus. Identifiers: MedGen C0011860, MeSH D003924, MONDO:0005148, OMIM 125853, HP:0005978.
Maturity-onset diabetes of the young, type 12. Identifiers: MedGen C6012723, MONDO:0978299, OMIM 621196.
Hyperinsulinemic hypoglycemia, familial, 1 (HHF1). Also called: Persistent Hyperinsulinemia Hypoglycemia of Infancy; Persistent hyperinsulinemic hypoglycemia of infancy; HYPERINSULINISM, FAMILIAL, WITH PANCREATIC NESIDIOBLASTOSIS; HYPOGLYCEMIA, HYPERINSULINEMIC, OF INFANCY; NESIDIOBLASTOSIS OF PANCREAS. Identifiers: Orphanet 276575, Orphanet 276598, MedGen C2931832, MONDO:0009734, OMIM 256450.
Leucine-induced hypoglycemia (LIH). Also called: LEUCINE-SENSITIVE HYPOGLYCEMIA OF INFANCY. Identifiers: MedGen C0271714, MONDO:0009415, OMIM 240800.

Submission:

Juno Genomics, Hangzhou Juno Genomics, Inc
Classification: Uncertain significance for Type 2 diabetes mellitus; Diabetes mellitus, permanent neonatal 3; Diabetes mellitus, transient neonatal, 2; Hyperinsulinemic hypoglycemia, familial, 1; Leucine-induced hypoglycemia; Maturity-onset diabetes of the young, type 12. Review status: criteria provided, single submitter. Criteria: ACMG Guidelines, 2015. Collection method: clinical testing. Allele origin: germline. Affected: yes.
Comment: Absent from controls (or at extremely low frequency if recessive) in Genome Aggregation Database.;Multiple lines of computational evidence support a deleterious effect on the gene or gene product.;Patient's phenotype or family history is highly specific for a disease with a single genetic etiology.